The following is an entry in ClinVar:

NM_003482.4(KMT2D):c.16040C>T (p.Thr5347Ile)

Gene: KMT2D (lysine methyltransferase 2D; minus strand). Cytogenetic location: 12q13.12.
Variant type: single nucleotide variant.
Coding change: c.16040C>T on transcript NM_003482.4 (MANE Select); coding-DNA position 16040, C replaced by T.
Protein change: p.Thr5347Ile; replaces threonine 5347 with isoleucine.
Molecular consequence: missense variant.
Genome position (GRCh38, 1-based): chr12:49,024,590, G>A on the plus strand (C>T on the coding strand, the complement: KMT2D is on the minus strand). VCF-style: chr12-49024590-G-A. GRCh37 (hg19) VCF-style: chr12-49418373-G-A.
Other names: short protein forms T5347I.
Identifiers: ClinVar variation 1399722 (VCV001399722.7), dbSNP rs2137710527, ClinGen allele CA384681140.

ClinVar aggregate classification (germline): Uncertain significance (1 of 4 stars; one submission).

Conditions:
Kabuki syndrome. Also called: Kabuki make-up syndrome; NIIKAWA-KUROKI SYNDROME. Identifiers: Orphanet 2322, MedGen C0796004, MONDO:0016512.

Submission:

Labcorp Genetics (formerly Invitae), Labcorp
Classification: Uncertain significance for Kabuki syndrome. Last evaluated: 2022-10-05. Review status: criteria provided, single submitter. Criteria: Invitae Variant Classification Sherloc (09022015). Collection method: clinical testing. Allele origin: germline.
Comment: This variant is not present in population databases (gnomAD no frequency). This sequence change replaces threonine, which is neutral and polar, with isoleucine, which is neutral and non-polar, at codon 5347 of the KMT2D protein (p.Thr5347Ile). This variant has not been reported in the literature in individuals affected with KMT2D-related conditions. In summary, the available evidence is currently insufficient to determine the role of this variant in disease. Therefore, it has been classified as a Variant of Uncertain Significance. Advanced modeling of protein sequence and biophysical properties (such as structural, functional, and spatial information, amino acid conservation, physicochemical variation, residue mobility, and thermodynamic stability) has been performed at Invitae for this missense variant, however the output from this modeling did not meet the statistical confidence thresholds required to predict the impact of this variant on KMT2D protein function. ClinVar contains an entry for this variant (Variation ID: 1399722).